The following is an entry in ClinVar:

NM_001386298.1(CIC):c.3370C>T (p.Arg1124Trp)

Gene: CIC (capicua transcriptional repressor; plus strand). Cytogenetic location: 19q13.2.
Variant type: single nucleotide variant.
Coding change: c.3370C>T on transcript NM_001386298.1 (MANE Select); coding-DNA position 3370, C replaced by T.
Protein change: p.Arg1124Trp; replaces arginine 1124 with tryptophan.
Molecular consequence: missense variant.
Genome position (GRCh38, 1-based): chr19:42,287,605, C>T. VCF-style: chr19-42287605-C-T. GRCh37 (hg19) VCF-style: chr19-42791757-C-T.
Other names: c.3370C>T (NM_001304815.1); c.3370C>T, p.Arg1124Trp (NM_001304815.2, NM_001379480.1, NM_001379482.1); c.643C>T, p.Arg215Trp (NM_001379484.1, NM_001379485.1, NM_015125.5); short protein forms R1124W, R215W.
Identifiers: ClinVar variation 635170 (VCV000635170.5), dbSNP rs1568504941, ClinGen allele CA406097759.

ClinVar aggregate classification (germline): Likely pathogenic (0 of 4 stars; one submission).
ClinVar aggregate classification (somatic clinical impact): Tier I - Strong (1 of 4 stars; one submission).
ClinVar aggregate classification (oncogenicity): Likely oncogenic. Review status: criteria provided, single submitter (1 of 4 stars). 2 submissions from 2 submitters. 1 of the submissions does not count toward it. Last evaluated 2025-03-04.

Conditions:
Intellectual developmental disorder, autosomal dominant 45. Also called: MENTAL RETARDATION, AUTOSOMAL DOMINANT 45; Intellectual disability, autosomal dominant 45. Identifiers: MedGen C4539848, MONDO:0030910, OMIM 617600.
Oligodendroglioma. Identifiers: Orphanet 251627, MedGen C0028945, MeSH D009837, MONDO:0016695, HP:0033681.
Neoplasm. Also called: tumor; Neoplasms; Neoplasm (disease). Identifiers: MedGen C0027651, MeSH D009369, MONDO:0005070, HP:0002664.
Anaplastic oligodendroglioma. Identifiers: Orphanet 251630, MedGen C0334590, MONDO:0016696.

Submissions (4):

Center for Genomic Medicine, Rigshospitalet, Copenhagen University Hospital
Classification: Likely oncogenic for Neoplasm. Last evaluated: 2025-03-04. Review status: criteria provided, single submitter. Criteria: ClinGen/CGC/VICC Guidelines for Oncogenicity, 2022. Collection method: clinical testing. Allele origin: somatic. Affected: yes.

Institute for Genomic Medicine (IGM) Clinical Laboratory, Nationwide Children's Hospital
Classification: Tier I - Strong for Oligodendroglioma. Assertion type: diagnostic. Clinical significance: supports diagnosis. Last evaluated: 2023-12-21. Review status: criteria provided, single submitter. Criteria: AMP/ASCO/CAP Guidelines, 2017. Collection method: clinical testing. Allele origin: somatic. Affected: yes.
Comment: Variant has Tier I (strong) clinical significance as a diagnostic inclusion criterion in oligodendroglioma, based on the following evidence: 1) Documented in one or more cancer databases (e.g., St. Jude Pecan, COSMIC, CIViC, OncoKB). 2) Appears in one or more well-established professional guidelines (e.g., World Health Organization [WHO]; National Comprehensive Cancer Network [NCCN]) as providing diagnostic, prognostic, or therapeutic information. 3) Information in the literature supports potential biologic effect of variant (PMIDs: 26017892, 28278156, 29844126, 32978089). 4) Diagnostic for a specific tumor type/classification based on well-powered studies with expert-level consensus (Evidence Level B; PMIDs: 21817013, 22072542, 22588899, 26017892).

Solve-RD Consortium
Classification: Likely pathogenic for Intellectual developmental disorder, autosomal dominant 45. Last evaluated: 2022-06-01. Review status: no assertion criteria provided. Collection method: provider interpretation. Allele origin: inherited. Affected: yes.
Comment: Variant confirmed as disease-causing by referring clinical team

Variant identified during reanalysis of unsolved cases by the Solve-RD project. The Solve-RD project has received funding from the European Union’s Horizon 2020 research and innovation programme under grant agreement No 779257.

Genome Sciences Centre, British Columbia Cancer Agency
Classification: Likely oncogenic for Anaplastic oligodendroglioma. Last evaluated: 2019-05-21. Review status: no assertion criteria provided. Collection method: research. Allele origin: somatic. Affected: yes. Not counted in ClinVar's aggregate classification.

Literature cited by the submitters: PubMed 26017892 (cited by Center for Genomic Medicine, Rigshospitalet, Copenhagen University Hospital and Institute for Genomic Medicine (IGM) Clinical Laboratory, Nationwide Children's Hospital); PubMed 31323153 (cited by Center for Genomic Medicine, Rigshospitalet, Copenhagen University Hospital); PubMed 28278156 (cited by Center for Genomic Medicine, Rigshospitalet, Copenhagen University Hospital and Institute for Genomic Medicine (IGM) Clinical Laboratory, Nationwide Children's Hospital); PubMed 29844126 (cited by Center for Genomic Medicine, Rigshospitalet, Copenhagen University Hospital and Institute for Genomic Medicine (IGM) Clinical Laboratory, Nationwide Children's Hospital); PubMed 32978089 (cited by Institute for Genomic Medicine (IGM) Clinical Laboratory, Nationwide Children's Hospital); PubMed 21817013 (cited by Institute for Genomic Medicine (IGM) Clinical Laboratory, Nationwide Children's Hospital); PubMed 22072542 (cited by Institute for Genomic Medicine (IGM) Clinical Laboratory, Nationwide Children's Hospital); PubMed 22588899 (cited by Institute for Genomic Medicine (IGM) Clinical Laboratory, Nationwide Children's Hospital); PubMed 39825153 (cited by Solve-RD Consortium).